The following is an entry in ClinVar:

ClinVar aggregate classification (germline): Uncertain significance (1 of 4 stars; one submission).

Conditions:
Inborn genetic diseases. Identifiers: MedGen C0950123, MeSH D030342.

Submission:

Ambry Genetics
Classification: Uncertain significance for Inborn genetic diseases. Last evaluated: 2022-02-28. Review status: criteria provided, single submitter. Criteria: Ambry Variant Classification Scheme 2023. Collection method: clinical testing. Allele origin: germline.
Comment: The p.D883N variant (also known as c.2647G>A), located in coding exon 17 of the PIK3CA gene, results from a G to A substitution at nucleotide position 2647. The aspartic acid at codon 883 is replaced by asparagine, an amino acid with highly similar properties. This amino acid position is conserved. In addition, this alteration is predicted to be tolerated by in silico analysis. Since supporting evidence is limited at this time, the clinical significance of this alteration remains unclear.

NM_006218.4(PIK3CA):c.2647G>A (p.Asp883Asn)

Gene: PIK3CA (phosphatidylinositol-4,5-bisphosphate 3-kinase catalytic subunit alpha; plus strand). Cytogenetic location: 3q26.32.
Variant type: single nucleotide variant.
Coding change: c.2647G>A on transcript NM_006218.4 (MANE Select); coding-DNA position 2647, G replaced by A.
Protein change: p.Asp883Asn; replaces aspartic acid 883 with asparagine.
Molecular consequence: missense variant.
Genome position (GRCh38, 1-based): chr3:179,229,423, G>A. VCF-style: chr3-179229423-G-A. GRCh37 (hg19) VCF-style: chr3-178947211-G-A.
Other names: short protein forms D883N.
Identifiers: ClinVar variation 1794267 (VCV001794267.2), dbSNP rs2108423136, ClinGen allele CA355278874.